The following is an entry in ClinVar:

NM_001290043.2(TAP2):c.1A>C (p.Met1Leu)

Gene: TAP2 (transporter 2, ATP binding cassette subfamily B member; minus strand). Cytogenetic location: 6p21.32.
Variant type: single nucleotide variant.
Coding change: c.1A>C on transcript NM_001290043.2 (MANE Select); coding-DNA position 1, A replaced by C.
Protein change: p.Met1Leu; changes the start codon (methionine 1).
Molecular consequence: missense variant, initiator codon variant.
Genome position (GRCh38, 1-based): chr6:32,838,233, T>G on the plus strand (A>C on the coding strand, the complement: TAP2 is on the minus strand). VCF-style: chr6-32838233-T-G. GRCh37 (hg19) VCF-style: chr6-32806010-T-G.
Other names: c.1A>C, p.Met1Leu (NM_000544.3, NM_018833.3); short protein forms M1L.
Identifiers: ClinVar variation 1374909 (VCV001374909.5), dbSNP rs775391251, ClinGen allele CA3746244.

ClinVar aggregate classification (germline): Uncertain significance (1 of 4 stars; one submission).

Conditions:
MHC class I deficiency. Identifiers: Orphanet 34592, MedGen C6024714, MONDO:0011476.

Allele frequency attached by ClinVar (database versions not stated): gnomAD 0.00001.

Submission:

Labcorp Genetics (formerly Invitae), Labcorp
Classification: Uncertain significance for MHC class I deficiency 1. Last evaluated: 2022-06-20. Review status: criteria provided, single submitter. Criteria: Invitae Variant Classification Sherloc (09022015). Collection method: clinical testing. Allele origin: germline.
Comment: This sequence change affects the initiator methionine of the TAP2 mRNA. The next in-frame methionine is located at codon 138. This variant is present in population databases (rs775391251, gnomAD 0.01%). This variant has not been reported in the literature in individuals affected with TAP2-related conditions. Experimental studies and prediction algorithms are not available or were not evaluated, and the functional significance of this variant is currently unknown. In summary, the available evidence is currently insufficient to determine the role of this variant in disease. Therefore, it has been classified as a Variant of Uncertain Significance.